The following is an entry in ClinVar:

ClinVar aggregate classification (germline): Benign/Likely benign. Review status: criteria provided, multiple submitters, no conflicts (2 of 4 stars). 3 submissions from 3 submitters: Benign (1); Likely benign (1). 1 of the submissions does not count toward it. Last evaluated 2026-01-21.

Conditions:
KIAA1549-related disorder. Also called: KIAA1549-related condition.

Allele frequency attached by ClinVar (database versions not stated): gnomAD exomes 0.00009 and 0.00016; ExAC 0.00020; 1000 Genomes Project 30x 0.00031; 1000 Genomes Project 0.00040; gnomAD 0.00068 and 0.00074; ESP Exome Variant Server 0.00072; TOPMed 0.00078.
gnomAD v4.1: 231 of 1,613,992 alleles (0.014%); highest among the groups gnomAD compares: African/African-American, 0.26%; no homozygotes.

Submissions (3):

Labcorp Genetics (formerly Invitae), Labcorp
Classification: Benign. Last evaluated: 2026-01-21. Review status: criteria provided, single submitter. Criteria: Invitae Variant Classification Sherloc (09022015). Collection method: clinical testing. Allele origin: germline.

Blueprint Genetics
Classification: Likely benign. Last evaluated: 2024-07-29. Review status: criteria provided, single submitter. Criteria: ACMG Guidelines, 2015. Collection method: clinical testing. Allele origin: germline.

PreventionGenetics, part of Exact Sciences
Classification: Likely benign for KIAA1549-related condition. Last evaluated: 2023-01-06. Review status: no assertion criteria provided. Collection method: clinical testing. Allele origin: germline. Not counted in ClinVar's aggregate classification.
Comment: This variant is classified as likely benign based on ACMG/AMP sequence variant interpretation guidelines (Richards et al. 2015 PMID: 25741868, with internal and published modifications).

NM_001164665.2(KIAA1549):c.4164G>A (p.Ser1388=)

Gene: KIAA1549 (KIAA1549; minus strand). Cytogenetic location: 7q34.
Variant type: single nucleotide variant.
Coding change: c.4164G>A on transcript NM_001164665.2 (MANE Select); coding-DNA position 4164, G replaced by A.
Protein change: p.Ser1388=; no amino-acid change (serine 1388 retained).
Molecular consequence: synonymous variant.
Genome position (GRCh38, 1-based): chr7:138,881,453, C>T on the plus strand (G>A on the coding strand, the complement: KIAA1549 is on the minus strand). VCF-style: chr7-138881453-C-T. GRCh37 (hg19) VCF-style: chr7-138566199-C-T.
Other names: c.4164G>A, p.Ser1388= (NM_020910.3).
Identifiers: ClinVar variation 725283 (VCV000725283.13), dbSNP rs183617317, ClinGen allele CA4505989.
Genomic context (GRCh38, chr7:138,881,453, plus strand): 5'-TCTGTGACGAACATTCTTGGAAGGGATCTTTGACTTGGGGCTTGGCACGTCTCCATTTTC[C>T]GAGGGCGTGGTGTGGTCCTTCAGAGGTCCTGGCAGTGGCGCTGGCTCATGAATAATCAAT-3'
Protein context (NP_001158137.1, residues 1378-1398): PGPLKDHTTP[Ser1388=]ENGDVPSPKS